The following is an entry in ClinVar:

NC_000012.12:g.40757114_40757115insCATG

Genes: CNTN1 (contactin 1; plus strand), LRRK2 (leucine rich repeat kinase 2; plus strand). Cytogenetic location: 12q12.
Variant type: Insertion.
Molecular consequence: intron variant (on NM_001843.4).
Genome position: GRCh38 VCF-style: chr12-40757114-A-ACATG. GRCh37 (hg19) VCF-style: chr12-41150916-A-ACATG.
Other names: c.-77+64522_-77+64523insCATG (NM_001843.4, NM_001256063.2).
Identifiers: ClinVar variation 4796673 (VCV004796673.1).

ClinVar aggregate classification (germline): Uncertain significance (1 of 4 stars; one submission).

Conditions:
Parkinson disease (PD). Identifiers: MedGen C0030567, MeSH D010300, MONDO:0005180.

Submission:

Laboratorio de Medicina Genómica, Centro Medico Nacional 20de Noviembre, Instituto de Seguridad Y Servicios Sociales de Los Trabajadores Del Estado
Classification: Uncertain significance for Parkinson disease. Review status: criteria provided, single submitter. Criteria: ACMG Guidelines, 2015. Collection method: clinical testing. Allele origin: germline. Affected: yes.
Comment: Classified as Uncertain significance based on ACMG criteria: BP4 (computational predictors including CADD <5 and RegulomeDB 6–7 indicate low likelihood of functional impact). This intronic indel lacks regulatory or eQTL evidence and demonstrates low conservation, suggesting it may represent a regional association signal rather than a causal regulatory variant.